The following is an entry in ClinVar:

ClinVar aggregate classification (germline): Uncertain significance (1 of 4 stars; one submission).

Conditions:
Idiopathic generalized epilepsy. Also called: EIG; Generalised epilepsy. Identifiers: MedGen C0270850, MONDO:0005579, OMIM 600669.

Allele frequency attached by ClinVar (database versions not stated): gnomAD exomes below 0.00001 and 0.00001.
gnomAD v4.1: 4 of 1,614,116 alleles (0.00025%); highest among the groups gnomAD compares: Admixed American, 0.0033%; no homozygotes.

Submission:

Labcorp Genetics (formerly Invitae), Labcorp
Classification: Uncertain significance for Idiopathic generalized epilepsy. Last evaluated: 2024-05-15. Review status: criteria provided, single submitter. Criteria: Invitae Variant Classification Sherloc (09022015). Collection method: clinical testing. Allele origin: germline.
Comment: This sequence change replaces proline, which is neutral and non-polar, with arginine, which is basic and polar, at codon 87 of the RBFOX1 protein (p.Pro87Arg). This variant is present in population databases (no rsID available, gnomAD 0.003%). This variant has not been reported in the literature in individuals affected with RBFOX1-related conditions. ClinVar contains an entry for this variant (Variation ID: 1461053). Advanced modeling of protein sequence and biophysical properties (such as structural, functional, and spatial information, amino acid conservation, physicochemical variation, residue mobility, and thermodynamic stability) performed at Invitae indicates that this missense variant is not expected to disrupt RBFOX1 protein function with a negative predictive value of 80%. In summary, the available evidence is currently insufficient to determine the role of this variant in disease. Therefore, it has been classified as a Variant of Uncertain Significance.

NM_018723.4(RBFOX1):c.200C>G (p.Pro67Arg)

Gene: RBFOX1 (RNA binding fox-1 homolog 1; plus strand). Cytogenetic location: 16p13.3.
Variant type: single nucleotide variant.
Coding change: c.200C>G on transcript NM_018723.4 (MANE Select); coding-DNA position 200, C replaced by G.
Protein change: p.Pro67Arg; replaces proline 67 with arginine.
Molecular consequence: missense variant.
Genome position (GRCh38, 1-based): chr16:7,518,319, C>G. VCF-style: chr16-7518319-C-G. GRCh37 (hg19) VCF-style: chr16-7568321-C-G.
Other names: c.200C>G, p.Pro67Arg (NM_001142333.2, NM_001142334.2, NM_001364800.2); c.329C>G, p.Pro110Arg (NM_001308117.1); c.260C>G, p.Pro87Arg (NM_145891.3, NM_145892.3, NM_145893.3); short protein forms P67R, P87R, P110R.
Identifiers: ClinVar variation 1461053 (VCV001461053.6), dbSNP rs1257361531, ClinGen allele CA394796632.